The following is an entry in ClinVar:

NM_005120.3(MED12):c.4210G>A (p.Ala1404Thr)

Gene: MED12 (mediator complex subunit 12; plus strand). Cytogenetic location: Xq13.1.
Variant type: single nucleotide variant.
Coding change: c.4210G>A on transcript NM_005120.3 (MANE Select); coding-DNA position 4210, G replaced by A.
Protein change: p.Ala1404Thr; replaces alanine 1404 with threonine.
Molecular consequence: missense variant.
Genome position (GRCh38, 1-based): chrX:71,132,163, G>A. VCF-style: chrX-71132163-G-A. GRCh37 (hg19) VCF-style: chrX-70352013-G-A.
Other names: c.4210G>A (NM_005120.2); short protein forms A1404T.
Identifiers: ClinVar variation 1371282 (VCV001371282.9), dbSNP rs2147813494, ClinGen allele CA413525843.
Genomic context (GRCh38, chrX:71,132,163, plus strand): 5'-AAGGCCACAATCGAGGTTTTCCAACAGTCAGCAGAGACAGGGTCATCTTCTGGAAGTACT[G>A]CAAGCAACATGCCCAGCAGCAGCAAGACCAAGCCTGTGCTCAGGTCGGATAGAAACATGT-3'
Protein context (NP_005111.2, residues 1394-1414): AETGSSSGST[Ala1404Thr]SNMPSSSKTK

ClinVar aggregate classification (germline): Uncertain significance. Review status: criteria provided, multiple submitters, no conflicts (2 of 4 stars). 3 submissions from 3 submitters: Uncertain significance (3). Last evaluated 2024-09-02.

Conditions:
Familial thoracic aortic aneurysm and aortic dissection (TAAD). Also called: Thoracic aortic aneurysms and dissections. Identifiers: Orphanet 91387, MedGen C4707243, MONDO:0019625.
FG syndrome (FGS). Identifiers: MedGen C0220769, MONDO:0002010.

Submissions (3):

Ambry Genetics
Classification: Uncertain significance for Familial thoracic aortic aneurysm and aortic dissection. Last evaluated: 2024-09-02. Review status: criteria provided, single submitter. Criteria: Ambry Variant Classification Scheme 2023. Collection method: clinical testing. Allele origin: germline.
Comment: The p.A1404T variant (also known as c.4210G>A), located in coding exon 30 of the MED12 gene, results from a G to A substitution at nucleotide position 4210. The alanine at codon 1404 is replaced by threonine, an amino acid with similar properties. This amino acid position is conserved. In addition, this alteration is predicted to be tolerated by in silico analysis. Based on the available evidence, the clinical significance of this variant remains unclear.

GeneDx
Classification: Uncertain significance. Last evaluated: 2024-07-08. Review status: criteria provided, single submitter. Criteria: GeneDx Variant Classification Process June 2021. Collection method: clinical testing. Allele origin: germline.
Comment: Not observed at significant frequency in large population cohorts (gnomAD); In silico analysis indicates that this missense variant does not alter protein structure/function; Has not been previously published as pathogenic or benign to our knowledge

Labcorp Genetics (formerly Invitae), Labcorp
Classification: Uncertain significance for FG syndrome. Last evaluated: 2023-03-11. Review status: criteria provided, single submitter. Criteria: Invitae Variant Classification Sherloc (09022015). Collection method: clinical testing. Allele origin: germline.
Comment: In summary, the available evidence is currently insufficient to determine the role of this variant in disease. Therefore, it has been classified as a Variant of Uncertain Significance. Advanced modeling of protein sequence and biophysical properties (such as structural, functional, and spatial information, amino acid conservation, physicochemical variation, residue mobility, and thermodynamic stability) performed at Invitae indicates that this missense variant is not expected to disrupt MED12 protein function. ClinVar contains an entry for this variant (Variation ID: 1371282). This variant has not been reported in the literature in individuals affected with MED12-related conditions. This variant is not present in population databases (gnomAD no frequency). This sequence change replaces alanine, which is neutral and non-polar, with threonine, which is neutral and polar, at codon 1404 of the MED12 protein (p.Ala1404Thr).